The following is an entry in ClinVar:

NM_001197104.2(KMT2A):c.5835C>G (p.Thr1945=)

Gene: KMT2A (lysine methyltransferase 2A; plus strand). Cytogenetic location: 11q23.3.
Variant type: single nucleotide variant.
Coding change: c.5835C>G on transcript NM_001197104.2 (MANE Select); coding-DNA position 5835, C replaced by G.
Protein change: p.Thr1945=; no amino-acid change (threonine 1945 retained).
Molecular consequence: synonymous variant.
Genome position (GRCh38, 1-based): chr11:118,498,402, C>G. VCF-style: chr11-118498402-C-G. GRCh37 (hg19) VCF-style: chr11-118369117-C-G.
Other names: c.5925C>G, p.Thr1975= (NM_001412597.1); c.5826C>G, p.Thr1942= (NM_005933.4).
Identifiers: ClinVar variation 2720725 (VCV002720725.5), dbSNP rs782265781, ClinGen allele CA6304125.

ClinVar aggregate classification (germline): Likely benign. Review status: criteria provided, multiple submitters, no conflicts (2 of 4 stars). 2 submissions from 2 submitters: Likely benign (2). Last evaluated 2025-12-03.

Conditions:
KMT2A-related disorder. Also called: KMT2A-related condition.

Allele frequency attached by ClinVar (database versions not stated): ExAC 0.00002.

Submissions (3):

Labcorp Genetics (formerly Invitae), Labcorp
Classification: Likely benign. Last evaluated: 2025-12-03. Review status: criteria provided, single submitter. Criteria: Invitae Variant Classification Sherloc (09022015). Collection method: clinical testing. Allele origin: germline.

PreventionGenetics, part of Exact Sciences
Classification: Likely benign for KMT2A-related condition. Last evaluated: 2025-09-05. Review status: criteria provided, single submitter. Criteria: ACMG Guidelines, 2015. Collection method: clinical testing. Allele origin: germline.
Comment: This variant is classified as likely benign based on ACMG/AMP sequence variant interpretation guidelines (Richards et al. 2015 PMID: 25741868, with internal and published modifications).

Dr. Peter K. Rogan Lab, Western University
No classification provided (evidence only). Condition: Acute myeloid leukemia. Review status: no classification provided. Collection method: in vitro. Allele origin: not applicable. Functional consequence: skipped exon. Not counted in ClinVar's aggregate classification.